The following is an entry in ClinVar:

ClinVar aggregate classification (germline): Uncertain significance (1 of 4 stars; one submission).

Conditions:
Dilated cardiomyopathy 1G (CMD1G). Identifiers: Orphanet 154, MedGen C1858763, MONDO:0011400, OMIM 604145.
Autosomal recessive limb-girdle muscular dystrophy type 2J (LGMDR10). Also called: Limb-girdle muscular dystrophy, type 2J; MUSCULAR DYSTROPHY, LIMB-GIRDLE, AUTOSOMAL RECESSIVE 10. Identifiers: Orphanet 140922, MedGen C1837342, MONDO:0012127, OMIM 608807.

Allele frequency attached by ClinVar (database versions not stated): TOPMed below 0.00001.

Submission:

Labcorp Genetics (formerly Invitae), Labcorp
Classification: Uncertain significance for Dilated cardiomyopathy 1G; Autosomal recessive limb-girdle muscular dystrophy type 2J. Last evaluated: 2019-05-24. Review status: criteria provided, single submitter. Criteria: Invitae Variant Classification Sherloc (09022015). Collection method: clinical testing. Allele origin: germline.
Comment: Algorithms developed to predict the effect of missense changes on protein structure and function are unavailable for the TTN gene. This sequence change replaces glutamic acid with glutamine at codon 26549 of the TTN protein (p.Glu26549Gln). There is a small physicochemical difference between glutamic acid and glutamine. This variant is not present in population databases (ExAC no frequency). In summary, the available evidence is currently insufficient to determine the role of this variant in disease. Therefore, it has been classified as a Variant of Uncertain Significance. This variant is located in the A band of TTN (PMID: 25589632). Variants in this region may be relevant for cardiac or neuromuscular disorders (PMID: 25589632, 23975875).

Literature cited by the submitters: PubMed 25589632; PubMed 23975875.

NM_001267550.2(TTN):c.79645G>C (p.Glu26549Gln)

Genes: TTN (titin; minus strand), TTN-AS1 (TTN antisense RNA 1; plus strand). Cytogenetic location: 2q31.2.
Variant type: single nucleotide variant.
Coding change: c.79645G>C on transcript NM_001267550.2 (MANE Select); coding-DNA position 79645, G replaced by C.
Protein change: p.Glu26549Gln; replaces glutamic acid 26549 with glutamine.
Molecular consequence: missense variant.
Genome position (GRCh38, 1-based): chr2:178,566,487, C>G on the plus strand (G>C on the coding strand, the complement: TTN is on the minus strand). VCF-style: chr2-178566487-C-G. GRCh37 (hg19) VCF-style: chr2-179431214-C-G.
Other names: c.74722G>C, p.Glu24908Gln (NM_001256850.1); c.52450G>C, p.Glu17484Gln (NM_003319.4); c.71941G>C, p.Glu23981Gln (NM_133378.4); c.52825G>C, p.Glu17609Gln (NM_133432.3); c.53026G>C, p.Glu17676Gln (NM_133437.4); short protein forms E17676Q, E17484Q, E24908Q, E17609Q, E23981Q, E26549Q.
Identifiers: ClinVar variation 941925 (VCV000941925.8), dbSNP rs1705910626, ClinGen allele CA349594499.